The following is an entry in ClinVar:

ClinVar aggregate classification (germline): Conflicting classifications of pathogenicity. Review status: criteria provided, conflicting classifications (1 of 4 stars). 11 submissions from 11 submitters: Uncertain significance (6); Likely benign (4). 1 of the submissions does not count toward it. Last evaluated 2026-01-25.

Conditions:
MYH6-related disorder. Also called: MYH6-Related Disorders; MYH6-related condition.
Hypertrophic cardiomyopathy 1 (CMH1). Also called: Familial hypertrophic cardiomyopathy 1; MYH7-Related Familial Hypertrophic Cardiomyopathy. Identifiers: MedGen C3495498, MONDO:0008647, OMIM 192600.
Hypertrophic cardiomyopathy 14. Identifiers: MedGen C2750467, MONDO:0013197, OMIM 613251.
Dilated cardiomyopathy 1EE (CMD1EE). Identifiers: Orphanet 154, MedGen C2750466, MONDO:0013198, OMIM 613252.
Sick sinus syndrome 3, susceptibility to (SSS3). Identifiers: Orphanet 166282, MedGen C3279791, MONDO:0013568, OMIM 614090.
Atrial septal defect 3 (ASD3). Identifiers: Orphanet 1478, MedGen C3279790, MONDO:0013567, OMIM 614089.
Cardiovascular phenotype. Identifiers: MedGen CN230736.
Primary dilated cardiomyopathy (DCM). Also called: Dilated Cardiomyopathy. Identifiers: Orphanet 217604, MedGen C0007193, MeSH D002311, MONDO:0005021, HP:0001644. Inheritance: Various modes of inheritance.
Primary familial dilated cardiomyopathy (FDC). Also called: Familial dilated cardiomyopathy; Hypokinetic dilated cardiomyopathy, familial. Identifiers: Orphanet 217607, MedGen C0340427, MONDO:0016333.

Allele frequency attached by ClinVar (database versions not stated): gnomAD exomes 0.00016 and 0.00017; ExAC 0.00018; gnomAD 0.00021 and 0.00022; TOPMed 0.00022; ESP Exome Variant Server 0.00023.
gnomAD v4.1: 283 of 1,613,934 alleles (0.018%); highest among the groups gnomAD compares: Middle Eastern, 0.049%; no homozygotes.

Submissions (11):

Labcorp Genetics (formerly Invitae), Labcorp
Classification: Likely benign for Hypertrophic cardiomyopathy 14. Last evaluated: 2026-01-25. Review status: criteria provided, single submitter. Criteria: Invitae Variant Classification Sherloc (09022015). Collection method: clinical testing. Allele origin: germline.

Blueprint Genetics
Classification: Likely benign. Last evaluated: 2024-09-23. Review status: criteria provided, single submitter. Criteria: ACMG Guidelines, 2015. Collection method: clinical testing. Allele origin: germline.

CeGaT Center for Human Genetics Tuebingen
Classification: Likely benign. Last evaluated: 2024-09-01. Review status: criteria provided, single submitter. Criteria: CeGaT Center For Human Genetics Tuebingen Variant Classification Criteria Version 2. Collection method: clinical testing. Allele origin: germline. Affected: yes. Observed: 3 variant alleles.
Comment: MYH6: BS1

GeneDx
Classification: Uncertain significance. Last evaluated: 2023-07-12. Review status: criteria provided, single submitter. Criteria: GeneDx Variant Classification Process June 2021. Collection method: clinical testing. Allele origin: germline. Affected: yes.
Comment: Reported with the I275N variant in the MYH6 gene in two individuals with DCM; one individual also harbored a pathogenic variant in the TNNT2 gene (Hershberger et al., 2010; Rampersaud et al., 2011), and one individual harbored a third missense variant in the MYH6 gene (Carniel et al., 2005); Also reported in two individuals with HCM (Lopes et al., 2015), one individual with Ebstein's anomaly who also harbored two candidate copy number variants (Sicko et al., 2016), and in one individual from the ClinSeq cohort of individuals who underwent exome sequencing but were not selected for a history of cardiomyopathy, arrhythmia or family history of sudden cardiac death, although additional clinical details were not described (Ng et al., 2013); In silico analysis supports that this missense variant has a deleterious effect on protein structure/function; This variant is associated with the following publications: (PMID: 23861362, 23299917, 20215591, 22337857, 21483645, 25351510, 27788187, 15998695, 32789579, AlMutairi2020[Publication])

Ambry Genetics
Classification: Likely benign for Cardiovascular phenotype. Last evaluated: 2020-05-20. Review status: criteria provided, single submitter. Criteria: Ambry Variant Classification Scheme 2023. Collection method: clinical testing. Allele origin: germline.

Revvity Omics, Revvity
Classification: Uncertain significance. Last evaluated: 2019-04-26. Review status: criteria provided, single submitter. Criteria: ACMG Guidelines, 2015. Collection method: clinical testing. Allele origin: germline.

Fulgent Genetics
Classification: Uncertain significance for Hypertrophic cardiomyopathy 1; Hypertrophic cardiomyopathy 14; Dilated cardiomyopathy 1EE; Atrial septal defect 3; Sick sinus syndrome 3, susceptibility to. Last evaluated: 2017-05-23. Review status: criteria provided, single submitter. Criteria: ACMG Guidelines, 2015. Collection method: clinical testing. Allele origin: unknown.

Molecular Diagnostic Laboratory for Inherited Cardiovascular Disease, Montreal Heart Institute
Classification: Uncertain significance for Primary familial dilated cardiomyopathy. Last evaluated: 2016-07-29. Review status: criteria provided, single submitter. Criteria: ACMG Guidelines, 2015. Collection method: clinical testing. Allele origin: germline. Affected: yes.

Biesecker Lab/Clinical Genomics Section, National Institutes of Health
Classification: Uncertain significance for Cardiomyopathy, dilated. Last evaluated: 2013-06-24. Review status: criteria provided, single submitter. Criteria: Ng et al. (Circ Cardiovasc Genet. 2013). Collection method: research. Allele origin: unknown. Observed: 1 variant allele. Study: ClinSeq.
Comment: The study set was not selected for affection status in relation to any cancer. HGMD phenotype assertion is uncertain. Pathogenicity categories were based on literature curation. See Pubmed ID:23861362 for details.

Medical sequencing

Laboratory for Molecular Medicine, Mass General Brigham Personalized Medicine
Classification: Uncertain significance. Last evaluated: 2012-04-20. Review status: criteria provided, single submitter. Criteria: LMM Criteria. Collection method: clinical testing. Allele origin: germline. Observed: 1 variant allele.
Comment: Variant classified as Uncertain Significance - Favor Benign. The Arg1502Gln vari ant (MYH6) was reported in two individuals with DCM and was absent from at least 792 control chromosomes (Carniel 2005, Hershberger 2010). One of these individ uals also carried a pathogenic DCM variant as well as a second variant in MYH6 ( Ile275Asn). The variant was present in 0.05% (3/7020) of European American chro mosomes from a broad population by the NHLBI Exome Sequencing Project (s.); however, this frequency is too low to confidently rul e out a disease causing role. Computational analyses (biochemical amino acid pro perties, conservation, AlignGVGD, PolyPhen2, and SIFT) do not provide strong sup port for or against an impact to the protein. In summary, this variant is more likely to be benign but additional studies are needed to determine this with con fidence.

PreventionGenetics, part of Exact Sciences
Classification: Likely benign for MYH6-related condition. Last evaluated: 2020-09-28. Review status: no assertion criteria provided. Collection method: clinical testing. Allele origin: germline. Not counted in ClinVar's aggregate classification.
Comment: This variant is classified as likely benign based on ACMG/AMP sequence variant interpretation guidelines (Richards et al. 2015 PMID: 25741868, with internal and published modifications).

Literature cited by the submitters: PubMed 15998695 (cited by Ambry Genetics and Laboratory for Molecular Medicine, Mass General Brigham Personalized Medicine); PubMed 20215591 (cited by Ambry Genetics and Laboratory for Molecular Medicine, Mass General Brigham Personalized Medicine); PubMed 21483645 (cited by Ambry Genetics and Laboratory for Molecular Medicine, Mass General Brigham Personalized Medicine); PubMed 23299917 (cited by Ambry Genetics); PubMed 23861362 (cited by Ambry Genetics); PubMed 25351510 (cited by Ambry Genetics); PubMed 27532257 (cited by Ambry Genetics); PubMed 27788187 (cited by Ambry Genetics); PubMed 29687901 (cited by Ambry Genetics).

NM_002471.4(MYH6):c.4505G>A (p.Arg1502Gln)

Gene: MYH6 (myosin heavy chain 6; minus strand). Cytogenetic location: 14q11.2.
Variant type: single nucleotide variant.
Coding change: c.4505G>A on transcript NM_002471.4 (MANE Select); coding-DNA position 4505, G replaced by A.
Protein change: p.Arg1502Gln; replaces arginine 1502 with glutamine.
Molecular consequence: missense variant.
Genome position (GRCh38, 1-based): chr14:23,387,778, C>T on the plus strand (G>A on the coding strand, the complement: MYH6 is on the minus strand). VCF-style: chr14-23387778-C-T. GRCh37 (hg19) VCF-style: chr14-23856987-C-T.
Other names: short protein forms R1502Q.
Identifiers: ClinVar variation 44513 (VCV000044513.58), dbSNP rs199936506, ClinGen allele CA134408.